The following is an entry in ClinVar:

NM_017677.4(MTMR8):c.185C>A (p.Pro62His)

Gene: MTMR8 (myotubularin related protein 8; minus strand). Cytogenetic location: Xq11.2.
Variant type: single nucleotide variant.
Coding change: c.185C>A on transcript NM_017677.4 (MANE Select); coding-DNA position 185, C replaced by A.
Protein change: p.Pro62His; replaces proline 62 with histidine.
Molecular consequence: missense variant.
Genome position (GRCh38, 1-based): chrX:64,356,301, G>T on the plus strand (C>A on the coding strand, the complement: MTMR8 is on the minus strand). VCF-style: chrX-64356301-G-T. GRCh37 (hg19) VCF-style: chrX-63576181-G-T.
Other names: short protein forms P62H.
Identifiers: ClinVar variation 3046031 (VCV003046031.2), dbSNP rs145085079, ClinGen allele CA10433256.

ClinVar aggregate classification (germline): Likely benign (0 of 4 stars; one submission).

Conditions:
MTMR8-related disorder. Also called: MTMR8-related condition.

Allele frequency attached by ClinVar (database versions not stated): ESP Exome Variant Server 0.00208; 1000 Genomes Project 0.00265; 1000 Genomes Project 30x 0.00291.
gnomAD v4.1: 273 of 1,206,194 alleles (0.023%); highest among the groups gnomAD compares: African/African-American, 0.43%; 1 homozygote.

Submission:

PreventionGenetics, part of Exact Sciences
Classification: Likely benign for MTMR8-related condition. Last evaluated: 2019-02-28. Review status: no assertion criteria provided. Collection method: clinical testing. Allele origin: germline.
Comment: This variant is classified as likely benign based on ACMG/AMP sequence variant interpretation guidelines (Richards et al. 2015 PMID: 25741868, with internal and published modifications).